The following is an entry in ClinVar:

NC_000010.10:g.(?_73587751)_(73610978_?)del

Gene: PSAP (prosaposin; minus strand). Cytogenetic location: 10q22.1.
Variant type: Deletion.
Identifiers: ClinVar variation 3244816 (VCV003244816.1).

ClinVar aggregate classification (germline): Pathogenic (1 of 4 stars; one submission).

Conditions:
Sphingolipid activator protein 1 deficiency. Also called: METACHROMATIC LEUKODYSTROPHY DUE TO CEREBROSIDE SULFATASE ACTIVATOR DEFICIENCY; Metachromatic leukodystrophy due to saposin B deficiency; Saposin B Deficiency. Identifiers: Orphanet 512, MedGen C0268262, MONDO:0009590, OMIM 249900.

Submission:

Labcorp Genetics (formerly Invitae), Labcorp
Classification: Pathogenic for Sphingolipid activator protein 1 deficiency. Last evaluated: 2023-11-22. Review status: criteria provided, single submitter. Criteria: Invitae Variant Classification Sherloc (09022015). Collection method: clinical testing. Allele origin: unknown.
Comment: This variant is a gross deletion of the genomic region encompassing exon(s) 1-6 of the PSAP gene, which includes the initiator codon. This deletion extends beyond the assayed region for this gene and therefore may encompass additional genes. It is expected to result in an absent or disrupted protein product. Loss-of-function variants in PSAP are known to be pathogenic (PMID: 8554069, 11309366, 17616409, 19267410, 30632081). This variant has not been reported in the literature in individuals affected with PSAP-related conditions. For these reasons, this variant has been classified as Pathogenic.

Literature cited by the submitters: PubMed 8554069; PubMed 11309366; PubMed 17616409; PubMed 19267410; PubMed 30632081.